The following is an entry in ClinVar:

NM_001130987.2(DYSF):c.4447C>T (p.Pro1483Ser)

Gene: DYSF (dysferlin; plus strand). Cytogenetic location: 2p13.2.
Variant type: single nucleotide variant.
Coding change: c.4447C>T on transcript NM_001130987.2 (MANE Select); coding-DNA position 4447, C replaced by T.
Protein change: p.Pro1483Ser; replaces proline 1483 with serine.
Molecular consequence: missense variant.
Genome position (GRCh38, 1-based): chr2:71,613,393, C>T. VCF-style: chr2-71613393-C-T. GRCh37 (hg19) VCF-style: chr2-71840523-C-T.
Other names: c.4396C>T, p.Pro1466Ser (NM_001130455.2, NM_001130983.2); c.4351C>T, p.Pro1451Ser (NM_001130976.2, NM_001130977.2); c.4393C>T, p.Pro1465Ser (NM_001130978.2, NM_003494.4); c.4486C>T, p.Pro1496Ser (NM_001130979.2); c.4444C>T, p.Pro1482Ser (NM_001130980.2, NM_001130981.2); c.4489C>T, p.Pro1497Ser (NM_001130982.2); c.4354C>T, p.Pro1452Ser (NM_001130984.2, NM_001130986.2); c.4447C>T, p.Pro1483Ser (NM_001130985.2); short protein forms P1451S, P1452S, P1496S, P1466S, P1482S, P1483S, P1465S, P1497S.
Identifiers: ClinVar variation 1352566 (VCV001352566.3), dbSNP rs2152878098, ClinGen allele CA347229651.
Genomic context (GRCh38, chr2:71,613,393, plus strand): 5'-GACGATGTGAGCCTACTCAGTCCTGGGGAAGACGTGCTCATCGACATTGATGACAAGGAG[C>T]CCCTCATCCCCATCCAGGTAGGATGGGCATCCTCCAGGGAGGCCTGGGTCACCTTTCCCC-3'
Protein context (NP_001124459.1, residues 1473-1493): DVLIDIDDKE[Pro1483Ser]LIPIQLADGL

ClinVar aggregate classification (germline): Uncertain significance (1 of 4 stars; one submission).

Conditions:
Neuromuscular disease caused by qualitative or quantitative defects of dysferlin. Also called: Qualitative or quantitative defects of dysferlin; Dysferlinopathy. Identifiers: Orphanet 207073, MedGen C2931687, MONDO:0016145.

Submission:

Labcorp Genetics (formerly Invitae), Labcorp
Classification: Uncertain significance for Neuromuscular disease caused by qualitative or quantitative defects of dysferlin. Last evaluated: 2022-03-08. Review status: criteria provided, single submitter. Criteria: Invitae Variant Classification Sherloc (09022015). Collection method: clinical testing. Allele origin: germline.
Comment: This sequence change replaces proline, which is neutral and non-polar, with serine, which is neutral and polar, at codon 1465 of the DYSF protein (p.Pro1465Ser). This variant is not present in population databases (gnomAD no frequency). This variant has not been reported in the literature in individuals affected with DYSF-related conditions. Advanced modeling of protein sequence and biophysical properties (such as structural, functional, and spatial information, amino acid conservation, physicochemical variation, residue mobility, and thermodynamic stability) performed at Invitae indicates that this missense variant is not expected to disrupt DYSF protein function. In summary, the available evidence is currently insufficient to determine the role of this variant in disease. Therefore, it has been classified as a Variant of Uncertain Significance.